The following is an entry in ClinVar:

ClinVar aggregate classification (germline): Uncertain significance (1 of 4 stars; one submission).

Submission:

Labcorp Genetics (formerly Invitae), Labcorp
Classification: Uncertain significance. Last evaluated: 2025-10-14. Review status: criteria provided, single submitter. Criteria: Invitae Variant Classification Sherloc (09022015). Collection method: clinical testing. Allele origin: germline.
Comment: This sequence change affects codon 685 of the DSG1 mRNA. It is a 'silent' change, meaning that it does not change the encoded amino acid sequence of the DSG1 protein. This variant is not present in population databases (gnomAD no frequency). This variant has not been reported in the literature in individuals affected with DSG1-related conditions. ClinVar contains an entry for this variant (Variation ID: 2994028). Algorithms developed to predict the effect of sequence changes on RNA splicing suggest that this variant may disrupt the consensus splice site. In summary, the available evidence is currently insufficient to determine the role of this variant in disease. Therefore, it has been classified as a Variant of Uncertain Significance.

NM_001942.4(DSG1):c.2055A>G (p.Arg685=)

Genes: DSG1 (desmoglein 1; plus strand), DSG1-AS1 (DSG1 antisense RNA 1; minus strand). Cytogenetic location: 18q12.1.
Variant type: single nucleotide variant.
Coding change: c.2055A>G on transcript NM_001942.4 (MANE Select); coding-DNA position 2055, A replaced by G.
Protein change: p.Arg685=; no amino-acid change (arginine 685 retained).
Molecular consequence: synonymous variant.
Genome position (GRCh38, 1-based): chr18:31,346,153, A>G. VCF-style: chr18-31346153-A-G. GRCh37 (hg19) VCF-style: chr18-28926116-A-G.
Identifiers: ClinVar variation 2994028 (VCV002994028.3), dbSNP rs2071833237, ClinGen allele CA503597036.